The following is an entry in ClinVar:

ClinVar aggregate classification (germline): Pathogenic (1 of 4 stars; one submission).

Conditions:
Autosomal recessive limb-girdle muscular dystrophy. Identifiers: Orphanet 102015, MedGen C2931907, MONDO:0015152.

gnomAD v4.1: 1 of 1,614,120 alleles (0.000062%); highest among the groups gnomAD compares: South Asian, 0.0011%; no homozygotes.

Submission:

Myriad Genetics, Inc.
Classification: Pathogenic for Autosomal recessive limb-girdle muscular dystrophy. Last evaluated: 2025-08-04. Review status: criteria provided, single submitter. Criteria: Myriad Autosomal Dominant, Autosomal Recessive and X-Linked Classification Criteria (2023). Collection method: clinical testing. Allele origin: unknown.
Comment: NM_003494.3(DYSF):c.6096C>A(Y2032*) is a nonsense variant classified as pathogenic in the context of dysferlinopathy. Y2032* has not been observed in cases with relevant disease. Relevant functional assessments of this variant are not available in the literature. Y2032* has not been observed in referenced population frequency databases. In summary, NM_003494.3(DYSF):c.6096C>A(Y2032*) is a nonsense variant in a gene where loss of function is a known mechanism of disease and is predicted to disrupt protein function. Please note: this variant was assessed in the context of healthy population screening.

NM_001130987.2(DYSF):c.6213C>A (p.Tyr2071Ter)

Gene: DYSF (dysferlin; plus strand). Cytogenetic location: 2p13.2.
Variant type: single nucleotide variant.
Coding change: c.6213C>A on transcript NM_001130987.2 (MANE Select); coding-DNA position 6213, C replaced by A.
Protein change: p.Tyr2071Ter; replaces tyrosine 2071 with a stop codon.
Molecular consequence: nonsense.
Genome position (GRCh38, 1-based): chr2:71,682,569, C>A. VCF-style: chr2-71682569-C-A. GRCh37 (hg19) VCF-style: chr2-71909699-C-A.
Other names: c.6099C>A, p.Tyr2033Ter (NM_001130455.2); c.6054C>A, p.Tyr2018Ter (NM_001130976.2); c.6117C>A, p.Tyr2039Ter (NM_001130977.2); c.6159C>A, p.Tyr2053Ter (NM_001130978.2); c.6189C>A, p.Tyr2063Ter (NM_001130979.2); c.6147C>A, p.Tyr2049Ter (NM_001130980.2); c.6210C>A, p.Tyr2070Ter (NM_001130981.2); c.6192C>A, p.Tyr2064Ter (NM_001130982.2); and 5 more; short protein forms Y2018*, Y2050*, Y2070*, Y2019*, Y2049*, Y2071*, Y2032*, Y2033*.
Identifiers: ClinVar variation 5003393 (VCV005003393.1).